The following is an entry in ClinVar:

ClinVar aggregate classification (germline): Uncertain significance (1 of 4 stars; one submission).

Conditions:
Nemaline myopathy 10 (NEM10). Identifiers: MedGen C4015360, MONDO:0014513, OMIM 616165.

Submission:

3billion
Classification: Uncertain significance for Nemaline myopathy 10. Last evaluated: 2022-01-03. Review status: criteria provided, single submitter. Criteria: ACMG Guidelines, 2015. Collection method: clinical testing. Allele origin: germline. Affected: yes. Observed: 1 homozygote.
Comment: The variant is not observed in the gnomAD v2.1.1 dataset (PM2_M). In silico tool predictions suggest damaging effect of the variant on gene or gene product (REVEL: 0.966, PP3_P). Therefore, this variant is classified as uncertain significance according to the recommendation of ACMG/AMP guideline.

NM_198271.5(LMOD3):c.1130T>G (p.Phe377Cys)

Gene: LMOD3 (leiomodin 3; minus strand). Cytogenetic location: 3p14.1.
Variant type: single nucleotide variant.
Coding change: c.1130T>G on transcript NM_198271.5 (MANE Select); coding-DNA position 1130, T replaced by G.
Protein change: p.Phe377Cys; replaces phenylalanine 377 with cysteine.
Molecular consequence: missense variant.
Genome position (GRCh38, 1-based): chr3:69,119,225, A>C on the plus strand (T>G on the coding strand, the complement: LMOD3 is on the minus strand). VCF-style: chr3-69119225-A-C. GRCh37 (hg19) VCF-style: chr3-69168376-A-C.
Other names: c.1130T>G, p.Phe377Cys (NM_001304418.3); short protein forms F377C.
Identifiers: ClinVar variation 1333449 (VCV001333449.1), dbSNP rs373483102, ClinGen allele CA353472852.